The following is an entry in ClinVar:

ClinVar aggregate classification (germline): Uncertain significance (1 of 4 stars; one submission).

Conditions:
Cardiovascular phenotype. Identifiers: MedGen CN230736.

Submission:

Ambry Genetics
Classification: Uncertain significance for Cardiovascular phenotype. Last evaluated: 2025-11-04. Review status: criteria provided, single submitter. Criteria: Ambry Variant Classification Scheme 2023. Collection method: clinical testing. Allele origin: germline.
Comment: The p.E1470G variant (also known as c.4409A>G), located in coding exon 29 of the MYH6 gene, results from an A to G substitution at nucleotide position 4409. The glutamic acid at codon 1470 is replaced by glycine, an amino acid with similar properties. This amino acid position is conserved. In addition, the in silico prediction for this alteration is inconclusive. Based on the available evidence, the clinical significance of this variant remains unclear.

NM_002471.4(MYH6):c.4409A>G (p.Glu1470Gly)

Gene: MYH6 (myosin heavy chain 6; minus strand). Cytogenetic location: 14q11.2.
Variant type: single nucleotide variant.
Coding change: c.4409A>G on transcript NM_002471.4 (MANE Select); coding-DNA position 4409, A replaced by G.
Protein change: p.Glu1470Gly; replaces glutamic acid 1470 with glycine.
Molecular consequence: missense variant.
Genome position (GRCh38, 1-based): chr14:23,387,874, T>C on the plus strand (A>G on the coding strand, the complement: MYH6 is on the minus strand). VCF-style: chr14-23387874-T-C. GRCh37 (hg19) VCF-style: chr14-23857083-T-C.
Other names: short protein forms E1470G.
Identifiers: ClinVar variation 4614617 (VCV004614617.1).
Genomic context (GRCh38, chr14:23,387,874, plus strand): 5'-TAGGCGTTCTTGAGCTTGAAGAGCTCTGTGCTGAGGGAGCGAGCCTCCTTCTGTGAGGAC[T>C]CCAGCTCAGACTGCGACTCCTCATACTTCTGCTTCCACTCGGCCAGGATCTGCCCGGGGA-3'
Protein context (NP_002462.2, residues 1460-1480): QKYEESQSEL[Glu1470Gly]SSQKEARSLS